The following is an entry in ClinVar:

NM_000440.3(PDE6A):c.2131G>A (p.Val711Ile)

Gene: PDE6A (phosphodiesterase 6A; minus strand). Cytogenetic location: 5q32.
Variant type: single nucleotide variant.
Coding change: c.2131G>A on transcript NM_000440.3 (MANE Select); coding-DNA position 2131, G replaced by A.
Protein change: p.Val711Ile; replaces valine 711 with isoleucine.
Molecular consequence: missense variant.
Genome position (GRCh38, 1-based): chr5:149,883,433, C>T on the plus strand (G>A on the coding strand, the complement: PDE6A is on the minus strand). VCF-style: chr5-149883433-C-T. GRCh37 (hg19) VCF-style: chr5-149262996-C-T.
Other names: short protein forms V711I.
Identifiers: ClinVar variation 866350 (VCV000866350.15), dbSNP rs764962408, ClinGen allele CA3504407.
Genomic context (GRCh38, chr5:149,883,433, plus strand): 5'-CTCGCCTCATGATCCTAAGCCTAAGAGGATCAGGTTTTAACCCCATCCCAACTCACATAA[C>T]GATTTCCTTCCGTGTCTGCTCCAGCATCATGTACTGTGTCCACTCCTGTTCACTCTCATA-3'
Protein context (NP_000431.2, residues 701-721): MMLEQTRKEI[Val711Ile]MAMMMTACDL

ClinVar aggregate classification (germline): Uncertain significance. Review status: criteria provided, multiple submitters, no conflicts (2 of 4 stars). 5 submissions from 5 submitters: Uncertain significance (5). Last evaluated 2026-06-08.

Conditions:
PDE6A-related disorder. Also called: PDE6A-related condition.
Retinitis pigmentosa 43 (RP43). Identifiers: Orphanet 791, MedGen C3151139, MONDO:0013437, OMIM 613810.

Allele frequency attached by ClinVar (database versions not stated): ExAC 0.00002; gnomAD exomes 0.00002; TOPMed 0.00002; gnomAD 0.00005.
gnomAD v4.1: 27 of 1,608,646 alleles (0.0017%); highest among the groups gnomAD compares: African/African-American, 0.004%; no homozygotes.

Submissions (5):

PreventionGenetics, part of Exact Sciences
Classification: Uncertain significance for PDE6A-related condition. Last evaluated: 2026-06-08. Review status: criteria provided, single submitter. Criteria: ACMG Guidelines, 2015. Collection method: clinical testing. Allele origin: germline.
Comment: The PDE6A c.2131G>A variant is predicted to result in the amino acid substitution p.Val711Ile. This variant was reported, along with a second missense variant in the same gene (p.His563Gln), in an individual with retinitis pigmentosa (supplementary data, Birtel et al. 2018. PubMed ID: 30543658). This variant is reported in 0.0039% of alleles in individuals of European (Non-Finnish) descent in gnomAD. At this time, the clinical significance of this variant is uncertain due to the absence of conclusive functional and genetic evidence.

CeGaT Center for Human Genetics Tuebingen
Classification: Uncertain significance. Last evaluated: 2026-06-01. Review status: criteria provided, single submitter. Criteria: CeGaT Center For Human Genetics Tuebingen Variant Classification Criteria Version 2. Collection method: clinical testing. Allele origin: germline. Affected: yes. Observed: 1 variant allele.
Comment: PDE6A: PM2, PM3:Supporting

Labcorp Genetics (formerly Invitae), Labcorp
Classification: Uncertain significance. Last evaluated: 2024-05-20. Review status: criteria provided, single submitter. Criteria: Invitae Variant Classification Sherloc (09022015). Collection method: clinical testing. Allele origin: germline.
Comment: This sequence change replaces valine, which is neutral and non-polar, with isoleucine, which is neutral and non-polar, at codon 711 of the PDE6A protein (p.Val711Ile). This variant is present in population databases (rs764962408, gnomAD 0.004%). This missense change has been observed in individual(s) with retinitis pigmentosa (PMID: 30543658). ClinVar contains an entry for this variant (Variation ID: 866350). Advanced modeling of protein sequence and biophysical properties (such as structural, functional, and spatial information, amino acid conservation, physicochemical variation, residue mobility, and thermodynamic stability) has been performed at Invitae for this missense variant, however the output from this modeling did not meet the statistical confidence thresholds required to predict the impact of this variant on PDE6A protein function. In summary, the available evidence is currently insufficient to determine the role of this variant in disease. Therefore, it has been classified as a Variant of Uncertain Significance.

Blueprint Genetics
Classification: Uncertain significance. Last evaluated: 2021-09-18. Review status: criteria provided, single submitter. Criteria: ACMG Guidelines, 2015. Collection method: clinical testing. Allele origin: germline.

Fulgent Genetics
Classification: Uncertain significance for Retinitis pigmentosa 43. Last evaluated: 2021-08-26. Review status: criteria provided, single submitter. Criteria: ACMG Guidelines, 2015. Collection method: clinical testing. Allele origin: unknown.

Literature cited by the submitters: PubMed 30543658 (cited by Labcorp Genetics (formerly Invitae), Labcorp).